The following is an entry in ClinVar:

ClinVar aggregate classification (germline): Uncertain significance. Review status: criteria provided, multiple submitters, no conflicts (2 of 4 stars). 3 submissions from 3 submitters: Uncertain significance (3). Last evaluated 2024-09-22.

Conditions:
Familial adenomatous polyposis 2. Also called: COLORECTAL ADENOMATOUS POLYPOSIS, AUTOSOMAL RECESSIVE; ADENOMAS, MULTIPLE COLORECTAL, AUTOSOMAL RECESSIVE; MUTYH-associated polyposis; MUTYH-related attenuated familial adenomatous polyposis; MUTYH Polyposis; Adenomas, multiple colorectal. Identifiers: Orphanet 220460, Orphanet 247798, MedGen C3272841, MONDO:0012041, OMIM 608456.
Hereditary cancer-predisposing syndrome. Also called: Neoplastic Syndromes, Hereditary; Hereditary Cancer Syndrome; Tumor predisposition; Hereditary neoplastic syndrome. Identifiers: Orphanet 140162, MedGen C0027672, MeSH D009386, MONDO:0015356.

Allele frequency attached by ClinVar (database versions not stated): gnomAD exomes below 0.00001.
gnomAD v4.1: 3 of 1,614,236 alleles (0.00019%); highest among the groups gnomAD compares: Non-Finnish European, 0.00025%; no homozygotes.

Submissions (3):

Labcorp Genetics (formerly Invitae), Labcorp
Classification: Uncertain significance for Familial adenomatous polyposis 2. Last evaluated: 2024-09-22. Review status: criteria provided, single submitter. Criteria: Invitae Variant Classification Sherloc (09022015). Collection method: clinical testing. Allele origin: germline.
Comment: This sequence change replaces aspartic acid, which is acidic and polar, with glycine, which is neutral and non-polar, at codon 105 of the MUTYH protein (p.Asp105Gly). This variant is not present in population databases (gnomAD no frequency). This missense change has been observed in individual(s) with breast cancer (PMID: 35980532). ClinVar contains an entry for this variant (Variation ID: 628007). An algorithm developed to predict the effect of missense changes on protein structure and function (PolyPhen-2) suggests that this variant¬†is likely to be tolerated. In summary, the available evidence is currently insufficient to determine the role of this variant in disease. Therefore, it has been classified as a Variant of Uncertain Significance.

Ambry Genetics
Classification: Uncertain significance for Hereditary cancer-predisposing syndrome. Last evaluated: 2023-10-25. Review status: criteria provided, single submitter. Criteria: Ambry Variant Classification Scheme 2023. Collection method: clinical testing. Allele origin: germline.
Comment: The p.D105G variant (also known as c.314A>G), located in coding exon 3 of the MUTYH gene, results from an A to G substitution at nucleotide position 314. The aspartic acid at codon 105 is replaced by glycine, an amino acid with similar properties. This amino acid position is well conserved in available vertebrate species. In addition, this alteration is predicted to be deleterious by in silico analysis. Since supporting evidence is limited at this time, the clinical significance of this alteration remains unclear.

Color Diagnostics, LLC DBA Color Health
Classification: Uncertain significance for Hereditary cancer-predisposing syndrome. Last evaluated: 2019-06-29. Review status: criteria provided, single submitter. Criteria: ACMG Guidelines, 2015. Collection method: clinical testing. Allele origin: germline.

Literature cited by the submitters: PubMed 35980532 (cited by Labcorp Genetics (formerly Invitae), Labcorp).

NM_001048174.2(MUTYH):c.230A>G (p.Asp77Gly)

Gene: MUTYH (mutY DNA glycosylase; minus strand). Cytogenetic location: 1p34.1.
Variant type: single nucleotide variant.
Coding change: c.230A>G on transcript NM_001048174.2 (MANE Select); coding-DNA position 230, A replaced by G.
Protein change: p.Asp77Gly; replaces aspartic acid 77 with glycine.
Molecular consequence: missense variant. On other transcripts: 5 prime UTR variant (4), non-coding transcript variant (2).
Genome position (GRCh38, 1-based): chr1:45,333,447, T>C on the plus strand (A>G on the coding strand, the complement: MUTYH is on the minus strand). VCF-style: chr1-45333447-T-C. GRCh37 (hg19) VCF-style: chr1-45799119-T-C.
Other names: c.230A>G, p.Asp77Gly (NM_001048171.2, NM_001048173.2, NM_001293195.2); c.233A>G, p.Asp78Gly (NM_001048172.2); c.314A>G, p.Asp105Gly (NM_001128425.2); c.275A>G, p.Asp92Gly (NM_001293190.2); c.263A>G, p.Asp88Gly (NM_001293191.2); c.-47A>G (NM_001293192.2, NM_001293196.2); c.-42A>G (NM_001350650.2, NM_001350651.2); c.305A>G, p.Asp102Gly (NM_012222.3); short protein forms D105G, D102G, D78G, D88G, D77G, D92G.
Identifiers: ClinVar variation 628007 (VCV000628007.13), dbSNP rs1557485832, ClinGen allele CA340136400.